The following is an entry in ClinVar:

NM_006118.4(HAX1):c.614A>G (p.Lys205Arg)

Gene: HAX1 (HCLS1 associated protein X-1; plus strand). Cytogenetic location: 1q21.3.
Variant type: single nucleotide variant.
Coding change: c.614A>G on transcript NM_006118.4 (MANE Select); coding-DNA position 614, A replaced by G.
Protein change: p.Lys205Arg; replaces lysine 205 with arginine.
Molecular consequence: missense variant.
Genome position (GRCh38, 1-based): chr1:154,275,211, A>G. VCF-style: chr1-154275211-A-G. GRCh37 (hg19) VCF-style: chr1-154247687-A-G.
Other names: c.470A>G, p.Lys157Arg (NM_001018837.2); short protein forms K205R, K157R.
Identifiers: ClinVar variation 1931254 (VCV001931254.2), dbSNP rs1392276135, ClinGen allele CA342593708.

ClinVar aggregate classification (germline): Uncertain significance (1 of 4 stars; one submission).

Conditions:
Kostmann syndrome (SCN3). Also called: Autosomal recessive severe congenital neutropenia type 3; KOSTMANN DISEASE. Identifiers: Orphanet 99749, MedGen C5235141, MONDO:0012548, OMIM 610738.

Allele frequency attached by ClinVar (database versions not stated): TOPMed below 0.00001; gnomAD 0.00001.
gnomAD v4.1: 2 of 1,613,790 alleles (0.00012%); highest among the groups gnomAD compares: African/African-American, 0.0013%; no homozygotes.

Submission:

Labcorp Genetics (formerly Invitae), Labcorp
Classification: Uncertain significance for Kostmann syndrome. Last evaluated: 2022-04-18. Review status: criteria provided, single submitter. Criteria: Invitae Variant Classification Sherloc (09022015). Collection method: clinical testing. Allele origin: germline.
Comment: This sequence change replaces lysine, which is basic and polar, with arginine, which is basic and polar, at codon 205 of the HAX1 protein (p.Lys205Arg). This variant is not present in population databases (gnomAD no frequency). This variant has not been reported in the literature in individuals affected with HAX1-related conditions. Algorithms developed to predict the effect of missense changes on protein structure and function output the following: SIFT: "Tolerated"; PolyPhen-2: "Benign"; Align-GVGD: "Class C0". The arginine amino acid residue is found in multiple mammalian species, which suggests that this missense change does not adversely affect protein function. In summary, the available evidence is currently insufficient to determine the role of this variant in disease. Therefore, it has been classified as a Variant of Uncertain Significance.